The following is an entry in ClinVar:

NM_014991.6(WDFY3):c.4192C>G (p.Pro1398Ala)

Gene: WDFY3 (WD repeat and FYVE domain containing 3; minus strand). Cytogenetic location: 4q21.23.
Variant type: single nucleotide variant.
Coding change: c.4192C>G on transcript NM_014991.6 (MANE Select); coding-DNA position 4192, C replaced by G.
Protein change: p.Pro1398Ala; replaces proline 1398 with alanine.
Molecular consequence: missense variant.
Genome position (GRCh38, 1-based): chr4:84,780,281, G>C on the plus strand (C>G on the coding strand, the complement: WDFY3 is on the minus strand). VCF-style: chr4-84780281-G-C. GRCh37 (hg19) VCF-style: chr4-85701434-G-C.
Other names: short protein forms P1398A.
Identifiers: ClinVar variation 1313340 (VCV001313340.3), dbSNP rs376063126, ClinGen allele CA2993311.
Genomic context (GRCh38, chr4:84,780,281, plus strand): 5'-CCAGGCCCAGGATGGCTGCAGCTCCACCAACGTACTGCAAAGTAGTGGCAACAGGCTTAG[G>C]GACAAATGTTCTTACTCCTGATTAAAAGATAGTGAAAAATAATTAAGATAAATTCCCCAT-3'
Protein context (NP_055806.2, residues 1388-1408): IGYLGVRTFV[Pro1398Ala]KPVATTLQYV

ClinVar aggregate classification (germline): Uncertain significance (1 of 4 stars; one submission).

Allele frequency attached by ClinVar (database versions not stated): ExAC 0.00001; gnomAD 0.00001; ESP Exome Variant Server 0.00008; gnomAD exomes below 0.00001.

Submission:

GeneDx
Classification: Uncertain significance. Last evaluated: 2025-10-28. Review status: criteria provided, single submitter. Criteria: GeneDx Variant Classification Process June 2021. Collection method: clinical testing. Allele origin: germline. Affected: yes.
Comment: In silico analysis supports that this missense variant has a deleterious effect on protein structure/function; Has not been previously published as pathogenic or benign to our knowledge